The following is an entry in ClinVar:

ClinVar aggregate classification (germline): Likely benign. Review status: criteria provided, single submitter (1 of 4 stars). 2 submissions from 2 submitters: Likely benign (1). 1 of the submissions does not count toward it. Last evaluated 2021-11-09.

Conditions:
SPEN-related disorder. Also called: SPEN-related condition.
Inborn genetic diseases. Identifiers: MedGen C0950123, MeSH D030342.

Allele frequency attached by ClinVar (database versions not stated): gnomAD 0.00002; TOPMed 0.00003; gnomAD exomes 0.00004; ExAC 0.00012.
gnomAD v4.1: 28 of 1,614,040 alleles (0.0017%); highest among the groups gnomAD compares: Admixed American, 0.047%; 1 homozygote.

Submissions (2):

Ambry Genetics
Classification: Likely benign for Inborn genetic diseases. Last evaluated: 2021-11-09. Review status: criteria provided, single submitter. Criteria: Ambry Variant Classification Scheme 2023. Collection method: clinical testing. Allele origin: germline.

PreventionGenetics, part of Exact Sciences
Classification: Likely benign for SPEN-related condition. Last evaluated: 2022-09-20. Review status: no assertion criteria provided. Collection method: clinical testing. Allele origin: germline. Not counted in ClinVar's aggregate classification.
Comment: This variant is classified as likely benign based on ACMG/AMP sequence variant interpretation guidelines (Richards et al. 2015 PMID: 25741868, with internal and published modifications).

NM_015001.3(SPEN):c.5747A>G (p.Asn1916Ser)

Gene: SPEN (spen family transcriptional repressor; plus strand). Cytogenetic location: 1p36.13.
Variant type: single nucleotide variant.
Coding change: c.5747A>G on transcript NM_015001.3 (MANE Select); coding-DNA position 5747, A replaced by G.
Protein change: p.Asn1916Ser; replaces asparagine 1916 with serine.
Molecular consequence: missense variant.
Genome position (GRCh38, 1-based): chr1:15,931,987, A>G. VCF-style: chr1-15931987-A-G. GRCh37 (hg19) VCF-style: chr1-16258482-A-G.
Other names: short protein forms N1916S.
Identifiers: ClinVar variation 2393026 (VCV002393026.4), dbSNP rs751269551, ClinGen allele CA619781.